The following is an entry in ClinVar:

NM_002458.3(MUC5B):c.5832C>G (p.Thr1944=)

Genes: MUC5B (mucin 5B, oligomeric mucus/gel-forming; plus strand), MUC5B-AS1 (MUC5B antisense RNA 1; minus strand). Cytogenetic location: 11p15.5.
Variant type: single nucleotide variant.
Coding change: c.5832C>G on transcript NM_002458.3 (MANE Select); coding-DNA position 5832, C replaced by G.
Protein change: p.Thr1944=; no amino-acid change (threonine 1944 retained).
Molecular consequence: synonymous variant.
Genome position (GRCh38, 1-based): chr11:1,242,712, C>G. VCF-style: chr11-1242712-C-G. GRCh37 (hg19) VCF-style: chr11-1263942-C-G.
Identifiers: ClinVar variation 2641211 (VCV002641211.24), dbSNP rs200978241, ClinGen allele CA5805812.
Genomic context (GRCh38, chr11:1,242,712, plus strand): 5'-CACCCCGACCTCCACCCTGAGAACAGCTCCCCCTCCCAAAGTGCTGACCACCACGGCCAC[C>G]ACACCCACAGTCACCAGCTCCAAAGCCACTCCCTCCTCCAGTCCAGGGACTGCAACCGCC-3'
Protein context (NP_002449.2, residues 1934-1954): PPPKVLTTTA[Thr1944=]TPTVTSSKAT

ClinVar aggregate classification (germline): Likely benign (1 of 4 stars; one submission).

Allele frequency attached by ClinVar (database versions not stated): 1000 Genomes Project 30x 0.00750; gnomAD exomes 0.01449; ExAC 0.02196.

Submission:

CeGaT Center for Human Genetics Tuebingen
Classification: Likely benign. Last evaluated: 2023-07-01. Review status: criteria provided, single submitter. Criteria: CeGaT Center For Human Genetics Tuebingen Variant Classification Criteria Version 2. Collection method: clinical testing. Allele origin: germline. Affected: yes. Observed: 6 variant alleles.
Comment: MUC5B: BP4, BP7